The following is an entry in ClinVar:

ClinVar aggregate classification (germline): Likely benign. Review status: criteria provided, multiple submitters, no conflicts (2 of 4 stars). 3 submissions from 3 submitters: Likely benign (3). Last evaluated 2026-02-01.

Conditions:
Congenital myasthenic syndrome 8. Also called: Myasthenic syndrome, congenital, 8, with pre- and postsynaptic defects; MYASTHENIC SYNDROME, CONGENITAL, DUE TO AGRIN DEFICIENCY. Identifiers: Orphanet 590, MedGen C3808739, MONDO:0014052, OMIM 615120.

Allele frequency attached by ClinVar (database versions not stated): gnomAD 0.00083; ESP Exome Variant Server 0.00093; 1000 Genomes Project 0.00020; 1000 Genomes Project 30x 0.00031; TOPMed 0.00080.
gnomAD v4.1: 1,946 of 1,558,112 alleles (0.12%); highest among the groups gnomAD compares: Non-Finnish European, 0.15%; 2 homozygotes.

Submissions (3):

Labcorp Genetics (formerly Invitae), Labcorp
Classification: Likely benign for Congenital myasthenic syndrome 8. Last evaluated: 2026-02-01. Review status: criteria provided, single submitter. Criteria: Invitae Variant Classification Sherloc (09022015). Collection method: clinical testing. Allele origin: germline.

GeneDx
Classification: Likely benign. Last evaluated: 2017-04-11. Review status: criteria provided, single submitter. Criteria: GeneDx Variant Classification (06012015). Collection method: clinical testing. Allele origin: germline. Affected: yes.
Comment: This variant is considered likely benign or benign based on one or more of the following criteria: it is a conservative change, it occurs at a poorly conserved position in the protein, it is predicted to be benign by multiple in silico algorithms, and/or has population frequency not consistent with disease.

PreventionGenetics, part of Exact Sciences
Classification: Likely benign. Review status: criteria provided, single submitter. Criteria: ACMG Guidelines, 2015. Collection method: clinical testing. Allele origin: germline.

NM_198576.4(AGRN):c.5877-17C>A

Gene: AGRN (agrin; plus strand). Cytogenetic location: 1p36.33.
Variant type: single nucleotide variant.
Coding change: c.5877-17C>A on transcript NM_198576.4 (MANE Select); 17 bases into the intron before coding-DNA position 5877, C replaced by A.
Molecular consequence: intron variant.
Genome position (GRCh38, 1-based): chr1:1,054,431, C>A. VCF-style: chr1-1054431-C-A. GRCh37 (hg19) VCF-style: chr1-989811-C-A.
Other names: c.5946-17C>A (NM_001305275.2); c.5574-17C>A (NM_001364727.2).
Identifiers: ClinVar variation 263200 (VCV000263200.9), dbSNP rs199552967, ClinGen allele CA510270.